The following is an entry in ClinVar:

ClinVar aggregate classification (germline): Benign. Review status: criteria provided, multiple submitters, no conflicts (2 of 4 stars). 3 submissions from 2 submitters: Benign (3). Last evaluated 2018-01-13.

Conditions:
Chondrocalcinosis 2. Also called: CALCIUM GOUT; CALCIUM PYROPHOSPHATE ARTHROPATHY; Familial calcium pyrophosphate deposition. Identifiers: Orphanet 1416, MedGen C0856830, MONDO:0007319, OMIM 118600.
Craniometaphyseal dysplasia, autosomal dominant (CMDD). Identifiers: Orphanet 1522, MedGen C1852502, MONDO:0007397, OMIM 123000.

Allele frequency attached by ClinVar (database versions not stated): 1000 Genomes Project 0.00399; 1000 Genomes Project 30x 0.00422; TOPMed 0.01106; gnomAD exomes 0.01278; gnomAD 0.01330 and 0.01397.
gnomAD v4.1: 2,124 of 160,500 alleles (1.3%); highest among the groups gnomAD compares: Non-Finnish European, 2.1%; 15 homozygotes.

Submissions (3):

Illumina Laboratory Services, Illumina
Classification: Benign for Craniometaphyseal dysplasia, autosomal dominant. Last evaluated: 2018-01-13. Review status: criteria provided, single submitter. Criteria: ICSL Variant Classification Criteria 13 December 2019. Collection method: clinical testing. Allele origin: germline.
Comment: This variant was observed in the ICSL laboratory as part of a predisposition screen in an ostensibly healthy population. It had not been previously curated by ICSL or reported in the Human Gene Mutation Database (HGMD: prior to June 1st, 2018), and was therefore a candidate for classification through an automated scoring system. Utilizing variant allele frequency, disease prevalence and penetrance estimates, and inheritance mode, an automated score was calculated to assess if this variant is too frequent to cause the disease. Based on the score and internal cut-off values, a variant classified as benign is not then subjected to further curation. The score for this variant resulted in a classification of benign for this disease.

Illumina Laboratory Services, Illumina
Classification: Benign for Chondrocalcinosis 2. Last evaluated: 2018-01-13. Review status: criteria provided, single submitter. Criteria: ICSL Variant Classification Criteria 13 December 2019. Collection method: clinical testing. Allele origin: germline.
Comment: the same text as in the submission from Illumina Laboratory Services, Illumina above.

Breakthrough Genomics
Classification: Benign. Review status: criteria provided, single submitter. Criteria: ACMG Guidelines, 2015. Collection method: not provided. Allele origin: germline. Inheritance: Autosomal dominant inheritance. Affected: yes.

NM_054027.6(ANKH):c.*580C>T

Genes: ANKH (ANKH inorganic pyrophosphate transport regulator; minus strand), OTULIN (OTU deubiquitinase with linear linkage specificity; plus strand). Cytogenetic location: 5p15.2.
Variant type: single nucleotide variant.
Coding change: c.*580C>T on transcript NM_054027.6 (MANE Select); 580 bases downstream of the stop codon, C replaced by T.
Molecular consequence: 3 prime UTR variant.
Genome position (GRCh38, 1-based): chr5:14,710,617, G>A on the plus strand (C>T on the coding strand, the complement: ANKH is on the minus strand). VCF-style: chr5-14710617-G-A. GRCh37 (hg19) VCF-style: chr5-14710726-G-A.
Identifiers: ClinVar variation 351487 (VCV000351487.6), dbSNP rs192753009, ClinGen allele CA10620516.
Genomic context (GRCh38, chr5:14,710,617, plus strand): 5'-GGAGATTCTGTCCATCTGTCAGCCTGCTGTGGTCACAGGTCTCCGTTCCTCAGTGTGAAC[G>A]GGGACTCCGGGCTGCAGCGTGCCACCCGCCTCCTGCATGTGTGGAGTAGATGGTTTCGAA-3'